The following is an entry in ClinVar:

ClinVar aggregate classification (germline): Uncertain significance (1 of 4 stars; one submission).

Allele frequency attached by ClinVar (database versions not stated): gnomAD exomes below 0.00001; TOPMed below 0.00001.
gnomAD v4.1: 1 of 1,529,338 alleles (0.000065%); highest among the groups gnomAD compares: Non-Finnish European, 0.000088%; no homozygotes.

Submission:

GeneDx
Classification: Uncertain significance. Last evaluated: 2021-04-16. Review status: criteria provided, single submitter. Criteria: GeneDx Variant Classification Process June 2021. Collection method: clinical testing. Allele origin: germline. Affected: yes.
Comment: Not observed in large population cohorts (Lek et al., 2016); In silico analysis supports that this missense variant does not alter protein structure/function; Has not been previously published as pathogenic or benign to our knowledge

NM_014991.6(WDFY3):c.9832G>A (p.Ala3278Thr)

Gene: WDFY3 (WD repeat and FYVE domain containing 3; minus strand). Cytogenetic location: 4q21.23.
Variant type: single nucleotide variant.
Coding change: c.9832G>A on transcript NM_014991.6 (MANE Select); coding-DNA position 9832, G replaced by A.
Protein change: p.Ala3278Thr; replaces alanine 3278 with threonine.
Molecular consequence: missense variant.
Genome position (GRCh38, 1-based): chr4:84,679,234, C>T on the plus strand (G>A on the coding strand, the complement: WDFY3 is on the minus strand). VCF-style: chr4-84679234-C-T. GRCh37 (hg19) VCF-style: chr4-85600387-C-T.
Other names: short protein forms A3278T.
Identifiers: ClinVar variation 1327193 (VCV001327193.2), dbSNP rs1726897487, ClinGen allele CA357267140.